The following is an entry in ClinVar:

ClinVar aggregate classification (germline): Uncertain significance (1 of 4 stars; one submission).

gnomAD v4.1: 1 of 1,614,160 alleles (0.000062%); no homozygotes.

Submission:

Women's Health and Genetics/Laboratory Corporation of America, LabCorp
Classification: Uncertain significance. Last evaluated: 2023-12-13. Review status: criteria provided, single submitter. Criteria: LabCorp Variant Classification Summary - May 2015. Collection method: clinical testing. Allele origin: germline.
Comment: Variant summary: XDH c.1981G>C (p.Val661Leu) results in a conservative amino acid change in the encoded protein sequence. Three of five in-silico tools predict a damaging effect of the variant on protein function. Several computational tools predict a significant impact on normal splicing: Three predict the variant weakens a canonical 3' acceptor site. However, these predictions have yet to be confirmed by functional studies. The variant was absent in 251480 control chromosomes (gnomAD). The available data on variant occurrences in the general population are insufficient to allow any conclusion about variant significance. To our knowledge, no occurrence of c.1981G>C in individuals affected with Hereditary Xanthinuria Type 1 and no experimental evidence demonstrating its impact on protein function have been reported. No submitters have cited clinical-significance assessments for this variant to ClinVar after 2014. Based on the evidence outlined above, the variant was classified as uncertain significance.

NM_000379.4(XDH):c.1981G>C (p.Val661Leu)

Gene: XDH (xanthine dehydrogenase; minus strand). Cytogenetic location: 2p23.1.
Variant type: single nucleotide variant.
Coding change: c.1981G>C on transcript NM_000379.4 (MANE Select); coding-DNA position 1981, G replaced by C.
Protein change: p.Val661Leu; replaces valine 661 with leucine.
Molecular consequence: missense variant.
Genome position (GRCh38, 1-based): chr2:31,368,660, C>G on the plus strand (G>C on the coding strand, the complement: XDH is on the minus strand). VCF-style: chr2-31368660-C-G. GRCh37 (hg19) VCF-style: chr2-31591526-C-G.
Other names: short protein forms V661L.
Identifiers: ClinVar variation 2691659 (VCV002691659.1), dbSNP rs763061923, ClinGen allele CA346505951.